The following is an entry in ClinVar:

ClinVar aggregate classification (germline): Uncertain significance. Review status: criteria provided, multiple submitters, no conflicts (2 of 4 stars). 2 submissions from 2 submitters: Uncertain significance (2). Last evaluated 2023-12-02.

Conditions:
Duchenne muscular dystrophy (DMD). Also called: MUSCULAR DYSTROPHY, PSEUDOHYPERTROPHIC PROGRESSIVE, DUCHENNE TYPE; Duchenne Muscular Dystrophy (DMD). Identifiers: Orphanet 98896, MedGen C0013264, MONDO:0010679, OMIM 310200.

Allele frequency attached by ClinVar (database versions not stated): gnomAD exomes below 0.00001.
gnomAD v4.1: 2 of 1,078,701 alleles (0.00019%); highest among the groups gnomAD compares: Non-Finnish European, 0.00025%; no homozygotes.

Submissions (2):

Labcorp Genetics (formerly Invitae), Labcorp
Classification: Uncertain significance for Duchenne muscular dystrophy. Last evaluated: 2023-12-02. Review status: criteria provided, single submitter. Criteria: Invitae Variant Classification Sherloc (09022015). Collection method: clinical testing. Allele origin: germline.
Comment: This sequence change replaces lysine, which is basic and polar, with asparagine, which is neutral and polar, at codon 1201 of the DMD protein (p.Lys1201Asn). This variant also falls at the last nucleotide of exon 26, which is part of the consensus splice site for this exon. This variant is not present in population databases (gnomAD no frequency). This variant has not been reported in the literature in individuals affected with DMD-related conditions. ClinVar contains an entry for this variant (Variation ID: 497590). An algorithm developed to predict the effect of missense changes on protein structure and function (PolyPhen-2) suggests that this variant is likely to be disruptive. Variants that disrupt the consensus splice site are a relatively common cause of aberrant splicing (PMID: 17576681, 9536098). Algorithms developed to predict the effect of sequence changes on RNA splicing suggest that this variant may disrupt the consensus splice site. In summary, the available evidence is currently insufficient to determine the role of this variant in disease. Therefore, it has been classified as a Variant of Uncertain Significance.

Eurofins Ntd Llc (ga)
Classification: Uncertain significance. Last evaluated: 2016-12-21. Review status: criteria provided, single submitter. Criteria: EGL Classification Definitions 2015. Collection method: clinical testing. Allele origin: germline. Observed: 1 variant allele.

Literature cited by the submitters: PubMed 17576681 (cited by Labcorp Genetics (formerly Invitae), Labcorp); PubMed 9536098 (cited by Labcorp Genetics (formerly Invitae), Labcorp).

NM_004006.3(DMD):c.3603G>T (p.Lys1201Asn)

Gene: DMD (dystrophin; minus strand). Cytogenetic location: Xp21.1.
Variant type: single nucleotide variant.
Coding change: c.3603G>T on transcript NM_004006.3 (MANE Select); coding-DNA position 3603, G replaced by T.
Protein change: p.Lys1201Asn; replaces lysine 1201 with asparagine.
Molecular consequence: missense variant.
Genome position (GRCh38, 1-based): chrX:32,454,662, C>A on the plus strand (G>T on the coding strand, the complement: DMD is on the minus strand). VCF-style: chrX-32454662-C-A. GRCh37 (hg19) VCF-style: chrX-32472779-C-A.
Other names: c.3579G>T, p.Lys1193Asn (NM_000109.4); c.3591G>T, p.Lys1197Asn (NM_004009.3); c.3234G>T, p.Lys1078Asn (NM_004010.3); short protein forms K1201N, K1078N, K1193N, K1197N.
Identifiers: ClinVar variation 497590 (VCV000497590.8), dbSNP rs1265370991, ClinGen allele CA412662831.